The following is an entry in ClinVar:

NM_021098.3(CACNA1H):c.299+5C>T

Gene: CACNA1H (calcium voltage-gated channel subunit alpha1 H; plus strand). Cytogenetic location: 16p13.3.
Variant type: single nucleotide variant.
Coding change: c.299+5C>T on transcript NM_021098.3 (MANE Select); 5 bases into the intron after coding-DNA position 299, C replaced by T.
Molecular consequence: intron variant.
Genome position (GRCh38, 1-based): chr16:1,154,041, C>T. VCF-style: chr16-1154041-C-T. GRCh37 (hg19) VCF-style: chr16-1204041-C-T.
Other names: c.299+5C>T (NM_001005407.2).
Identifiers: ClinVar variation 3768457 (VCV003768457.1).

ClinVar aggregate classification (germline): Uncertain significance (1 of 4 stars; one submission).

gnomAD v4.1: 18 of 1,285,354 alleles (0.0014%); highest among the groups gnomAD compares: Non-Finnish European, 0.0018%; no homozygotes.

Submission:

Women's Health and Genetics/Laboratory Corporation of America, LabCorp
Classification: Uncertain significance. Last evaluated: 2024-12-24. Review status: criteria provided, single submitter. Criteria: LabCorp Variant Classification Summary - May 2015. Collection method: clinical testing. Allele origin: germline.
Comment: Variant summary: CACNA1H c.299+5C>T alters a conserved nucleotide located close to a canonical splice site and therefore could affect mRNA splicing, leading to a significantly altered protein sequence. The nearby splice-site has a non-canonical sequence, therefore computational tools were not able to predict the impact of the variant on normal splicing. The variant allele was found at a frequency of 1.4e-05 in 1281040 control chromosomes in the gnomAD database (v4.1 dataset). To our knowledge, no occurrence of c.299+5C>T in individuals affected with Idiopathic Generalized Epilepsy and no experimental evidence demonstrating its impact on protein function have been reported. No submitters have cited clinical-significance assessments for this variant to ClinVar. Based on the evidence outlined above, the variant was classified as uncertain significance.